The following is an entry in ClinVar:

NM_030928.4(CDT1):c.430G>A (p.Ala144Thr)

Gene: CDT1 (chromatin licensing and DNA replication factor 1; plus strand). Cytogenetic location: 16q24.3.
Variant type: single nucleotide variant.
Coding change: c.430G>A on transcript NM_030928.4 (MANE Select); coding-DNA position 430, G replaced by A.
Protein change: p.Ala144Thr; replaces alanine 144 with threonine.
Molecular consequence: missense variant.
Genome position (GRCh38, 1-based): chr16:88,804,840, G>A. VCF-style: chr16-88804840-G-A. GRCh37 (hg19) VCF-style: chr16-88871248-G-A.
Other names: short protein forms A144T.
Identifiers: ClinVar variation 1978073 (VCV001978073.5), dbSNP rs1429736027, ClinGen allele CA397073188.

ClinVar aggregate classification (germline): Uncertain significance (1 of 4 stars; one submission).

Submission:

Labcorp Genetics (formerly Invitae), Labcorp
Classification: Uncertain significance. Last evaluated: 2022-07-21. Review status: criteria provided, single submitter. Criteria: Invitae Variant Classification Sherloc (09022015). Collection method: clinical testing. Allele origin: germline.
Comment: Algorithms developed to predict the effect of missense changes on protein structure and function output the following: SIFT: "Tolerated"; PolyPhen-2: "Benign"; Align-GVGD: "Class C0". The threonine amino acid residue is found in multiple mammalian species, which suggests that this missense change does not adversely affect protein function. In summary, the available evidence is currently insufficient to determine the role of this variant in disease. Therefore, it has been classified as a Variant of Uncertain Significance. This sequence change replaces alanine, which is neutral and non-polar, with threonine, which is neutral and polar, at codon 144 of the CDT1 protein (p.Ala144Thr). This variant has not been reported in the literature in individuals affected with CDT1-related conditions. This variant is present in population databases (no rsID available, gnomAD 0.003%).